The following is an entry in ClinVar:

ClinVar aggregate classification (germline): Likely benign. Review status: criteria provided, multiple submitters, no conflicts (2 of 4 stars). 3 submissions from 3 submitters: Likely benign (3). Last evaluated 2026-05-01.

Allele frequency attached by ClinVar (database versions not stated): ESP Exome Variant Server 0.00008; ExAC 0.00010; gnomAD 0.00011; TOPMed 0.00015; gnomAD exomes 0.00019.

Submissions (3):

CeGaT Center for Human Genetics Tuebingen
Classification: Likely benign. Last evaluated: 2026-05-01. Review status: criteria provided, single submitter. Criteria: CeGaT Center For Human Genetics Tuebingen Variant Classification Criteria Version 2. Collection method: clinical testing. Allele origin: germline. Affected: yes. Observed: 1 variant allele.
Comment: SON: BP4, BP7

Labcorp Genetics (formerly Invitae), Labcorp
Classification: Likely benign. Last evaluated: 2026-01-09. Review status: criteria provided, single submitter. Criteria: Invitae Variant Classification Sherloc (09022015). Collection method: clinical testing. Allele origin: germline.

Blueprint Genetics
Classification: Likely benign. Last evaluated: 2024-09-02. Review status: criteria provided, single submitter. Criteria: ACMG Guidelines, 2015. Collection method: clinical testing. Allele origin: germline.

NM_138927.4(SON):c.5310G>A (p.Pro1770=)

Gene: SON (SON DNA and RNA binding protein; plus strand). Cytogenetic location: 21q22.11.
Variant type: single nucleotide variant.
Coding change: c.5310G>A on transcript NM_138927.4 (MANE Select); coding-DNA position 5310, G replaced by A.
Protein change: p.Pro1770=; no amino-acid change (proline 1770 retained).
Molecular consequence: synonymous variant. On other transcripts: non-coding transcript variant (1), intron variant (1).
Genome position (GRCh38, 1-based): chr21:33,554,541, G>A. VCF-style: chr21-33554541-G-A. GRCh37 (hg19) VCF-style: chr21-34926847-G-A.
Other names: c.5310G>A, p.Pro1770= (NM_001291411.2, NM_001412133.1, NM_032195.3 and 2 more transcripts); c.245-2615G>A (NM_001291412.3).
Identifiers: ClinVar variation 2043954 (VCV002043954.7), dbSNP rs200267463, ClinGen allele CA10009716.